The following is an entry in ClinVar:

ClinVar aggregate classification (germline): Likely benign. Review status: criteria provided, single submitter (1 of 4 stars). 2 submissions from 2 submitters: Likely benign (1). 1 of the submissions does not count toward it. Last evaluated 2025-08-18.

Conditions:
TRAPPC11-related disorder. Also called: TRAPPC11-related condition.
Autosomal recessive limb-girdle muscular dystrophy type R18 (LGMDR18). Also called: MUSCULAR DYSTROPHY, LIMB-GIRDLE, AUTOSOMAL RECESSIVE 18; Limb-girdle muscular dystrophy, type 2S; Autosomal recessive limb-girdle muscular dystrophy type 2S. Identifiers: Orphanet 369840, MedGen C4517996, MONDO:0014144, OMIM 615356.

Allele frequency attached by ClinVar (database versions not stated): gnomAD 0.00005 and 0.00004; gnomAD exomes 0.00002 and 0.00004; TOPMed 0.00007; 1000 Genomes Project 0.00020; ExAC 0.00002; 1000 Genomes Project 30x 0.00016.
gnomAD v4.1: 62 of 1,613,122 alleles (0.0038%); highest among the groups gnomAD compares: African/African-American, 0.019%; no homozygotes.

Submissions (2):

Labcorp Genetics (formerly Invitae), Labcorp
Classification: Likely benign for Autosomal recessive limb-girdle muscular dystrophy type R18. Last evaluated: 2025-08-18. Review status: criteria provided, single submitter. Criteria: Invitae Variant Classification Sherloc (09022015). Collection method: clinical testing. Allele origin: germline.

PreventionGenetics, part of Exact Sciences
Classification: Likely benign for TRAPPC11-related condition. Last evaluated: 2019-02-20. Review status: no assertion criteria provided. Collection method: clinical testing. Allele origin: germline. Not counted in ClinVar's aggregate classification.
Comment: This variant is classified as likely benign based on ACMG/AMP sequence variant interpretation guidelines (Richards et al. 2015 PMID: 25741868, with internal and published modifications).

NM_021942.6(TRAPPC11):c.2937C>T (p.Thr979=)

Gene: TRAPPC11 (trafficking protein particle complex subunit 11; plus strand). Cytogenetic location: 4q35.1.
Variant type: single nucleotide variant.
Coding change: c.2937C>T on transcript NM_021942.6 (MANE Select); coding-DNA position 2937, C replaced by T.
Protein change: p.Thr979=; no amino-acid change (threonine 979 retained).
Molecular consequence: synonymous variant.
Genome position (GRCh38, 1-based): chr4:183,701,782, C>T. VCF-style: chr4-183701782-C-T. GRCh37 (hg19) VCF-style: chr4-184622935-C-T.
Other names: c.2937C>T, p.Thr979= (NM_199053.3).
Identifiers: ClinVar variation 767444 (VCV000767444.13), dbSNP rs200546920, ClinGen allele CA3152382.